The following is an entry in ClinVar:

NM_001379403.1(WDR26):c.1849del (p.Thr618fs)

Gene: WDR26 (WD repeat domain 26; minus strand). Cytogenetic location: 1q42.11.
Variant type: Deletion.
Coding change: c.1849del on transcript NM_001379403.1 (MANE Select); coding-DNA position 1849, one base deleted (C; older notation c.1849delC).
Protein change: p.Thr618fs; shifts the reading frame from threonine 618.
Molecular consequence: frameshift variant.
Genome position (GRCh38, 1-based): chr1:224,398,905, G deleted on the plus strand (C on the coding strand, the reverse complement: WDR26 is on the minus strand); the first of 2 consecutive G bases (chr1:224,398,905-224,398,906); deleting either gives the same sequence. VCF-style (leftmost placement, unchanged base first): chr1-224398904-AG-A. GRCh37 (hg19) VCF-style: chr1-224586606-AG-A.
Other names: c.1501del, p.Thr502fs (NM_001115113.3); c.1549del, p.Thr518fs (NM_025160.7); short protein forms T518fs, T502fs, T618fs.
Identifiers: ClinVar variation 3189916 (VCV003189916.1), dbSNP rs2464682567, ClinGen allele CA2825000922.

ClinVar aggregate classification (germline): Pathogenic (1 of 4 stars; one submission).

Conditions:
Inborn genetic diseases. Identifiers: MedGen C0950123, MeSH D030342.

Submission:

Ambry Genetics
Classification: Pathogenic for Inborn genetic diseases. Last evaluated: 2023-12-06. Review status: criteria provided, single submitter. Criteria: Ambry Variant Classification Scheme 2023. Collection method: clinical testing. Allele origin: germline.
Comment: The c.1549delC (p.T518Qfs*5) alteration, located in exon 10 (coding exon 10) of the WDR26 gene, consists of a deletion of one nucleotide at position 1549, causing a translational frameshift with a predicted alternate stop codon after 5 amino acids. This alteration is expected to result in loss of function by premature protein truncation or nonsense-mediated mRNA decay. This variant was not reported in population-based cohorts in the Genome Aggregation Database (gnomAD). Based on the available evidence, this alteration is classified as pathogenic.